The following is an entry in ClinVar:

NM_138433.5(KLHDC7B):c.1200G>T (p.Pro400=)

Genes: KLHDC7B (kelch domain containing 7B; plus strand), KLHDC7B-DT (KLHDC7B divergent transcript; minus strand). Cytogenetic location: 22q13.33.
Variant type: single nucleotide variant.
Coding change: c.1200G>T on transcript NM_138433.5 (MANE Select); coding-DNA position 1200, G replaced by T.
Protein change: p.Pro400=; no amino-acid change (proline 400 retained).
Molecular consequence: synonymous variant.
Genome position (GRCh38, 1-based): chr22:50,547,443, G>T. VCF-style: chr22-50547443-G-T. GRCh37 (hg19) VCF-style: chr22-50985872-G-T.
Identifiers: ClinVar variation 3770759 (VCV003770759.13).
Genomic context (GRCh38, chr22:50,547,443, plus strand): 5'-CCGAGATAACAGTCCTGCCGCTGACCTGGGGCCCACCCGGCCCCCGGAGCAAGCAAAGCC[G>T]GCTGCAGCCGGCCACAGCCGCGCGCCCTCCCGGAGCCGTGAGCCTCGCCCGCGCTCCGCC-3'
Protein context (NP_612442.3, residues 390-410): GPTRPPEQAK[Pro400=]AAAGHSRAPS

ClinVar aggregate classification (germline): Likely benign (1 of 4 stars; one submission).

Submission:

CeGaT Center for Human Genetics Tuebingen
Classification: Likely benign. Last evaluated: 2025-02-01. Review status: criteria provided, single submitter. Criteria: CeGaT Center For Human Genetics Tuebingen Variant Classification Criteria Version 2. Collection method: clinical testing. Allele origin: germline. Affected: yes. Observed: 1 variant allele.
Comment: KLHDC7B: BP4, BP7, BS2